The following is an entry in ClinVar:

NM_021167.5(GATAD1):c.249+13G>A

Genes: GATAD1 (GATA zinc finger domain containing 1; plus strand), LOC129998793 (ATAC-STARR-seq lymphoblastoid silent region 18371; plus strand). Cytogenetic location: 7q21.2.
Variant type: single nucleotide variant.
Coding change: c.249+13G>A on transcript NM_021167.5 (MANE Select); 13 bases into the intron after coding-DNA position 249, G replaced by A.
Molecular consequence: intron variant.
Genome position (GRCh38, 1-based): chr7:92,447,991, G>A. VCF-style: chr7-92447991-G-A. GRCh37 (hg19) VCF-style: chr7-92077305-G-A.
Identifiers: ClinVar variation 227372 (VCV000227372.15), dbSNP rs548757932, ClinGen allele CA10576732.

ClinVar aggregate classification (germline): Likely benign. Review status: criteria provided, multiple submitters, no conflicts (2 of 4 stars). 5 submissions from 5 submitters: Likely benign (5). Last evaluated 2026-01-31.

Conditions:
Dilated cardiomyopathy 2B. Identifiers: Orphanet 154, MedGen C3553409, MONDO:0013848, OMIM 614672.

Allele frequency attached by ClinVar (database versions not stated): 1000 Genomes Project 30x 0.00016; 1000 Genomes Project 0.00020; gnomAD 0.00038; TOPMed 0.00053.
gnomAD v4.1: 1,343 of 1,212,580 alleles (0.11%); highest among the groups gnomAD compares: Non-Finnish European, 0.13%; no homozygotes.

Submissions (5):

Labcorp Genetics (formerly Invitae), Labcorp
Classification: Likely benign for Dilated cardiomyopathy 2B. Last evaluated: 2026-01-31. Review status: criteria provided, single submitter. Criteria: Invitae Variant Classification Sherloc (09022015). Collection method: clinical testing. Allele origin: germline.

Blueprint Genetics
Classification: Likely benign. Last evaluated: 2024-10-26. Review status: criteria provided, single submitter. Criteria: ACMG Guidelines, 2015. Collection method: clinical testing. Allele origin: germline.

ARUP Laboratories, Molecular Genetics and Genomics, ARUP Laboratories
Classification: Likely benign for Dilated cardiomyopathy 2B. Last evaluated: 2022-04-15. Review status: criteria provided, single submitter. Criteria: ARUP Molecular Germline Variant Investigation Process 2021. Collection method: clinical testing. Allele origin: germline.

GeneDx
Classification: Likely benign. Last evaluated: 2018-04-10. Review status: criteria provided, single submitter. Criteria: GeneDx Variant Classification (06012015). Collection method: clinical testing. Allele origin: germline. Affected: yes.
Comment: This variant is considered likely benign or benign based on one or more of the following criteria: it is a conservative change, it occurs at a poorly conserved position in the protein, it is predicted to be benign by multiple in silico algorithms, and/or has population frequency not consistent with disease.

Laboratory for Molecular Medicine, Mass General Brigham Personalized Medicine
Classification: Likely benign. Last evaluated: 2015-12-14. Review status: criteria provided, single submitter. Criteria: LMM Criteria. Collection method: clinical testing. Allele origin: germline. Observed: 1 variant allele.
Comment: c.249+13G>A in intron 1 of GATAD1: This variant is not expected to have clinical significance because it is not located within the conserved splice consensus se quence. It has been identified in 1/182 British chromosomes by the 1000 Genomes Project (dbSNP rs548757932).